The following is an entry in ClinVar:

NM_000540.3(RYR1):c.6891+272T>G

Gene: RYR1 (ryanodine receptor 1; plus strand). Cytogenetic location: 19q13.2.
Variant type: single nucleotide variant.
Coding change: c.6891+272T>G on transcript NM_000540.3 (MANE Select); 272 bases into the intron after coding-DNA position 6891, T replaced by G.
Molecular consequence: intron variant.
Genome position (GRCh38, 1-based): chr19:38,497,226, T>G. VCF-style: chr19-38497226-T-G. GRCh37 (hg19) VCF-style: chr19-38987866-T-G.
Other names: c.6891+272T>G (NM_001042723.2).
Identifiers: ClinVar variation 680793 (VCV000680793.1), dbSNP rs11879442, ClinGen allele CA14744752.

ClinVar aggregate classification (germline): Benign (1 of 4 stars; one submission).

Allele frequency attached by ClinVar (database versions not stated): gnomAD 0.18743; TOPMed 0.19521; 1000 Genomes Project 0.22204.
gnomAD v4.1: 28,148 of 151,726 alleles (19%); highest among the groups gnomAD compares: African/African-American, 30%; 3,115 homozygotes.

Submission:

GeneDx
Classification: Benign. Last evaluated: 2018-06-19. Review status: criteria provided, single submitter. Criteria: GeneDx Variant Classification (06012015). Collection method: clinical testing. Allele origin: germline. Affected: yes.
Comment: This variant is considered likely benign or benign based on one or more of the following criteria: it is a conservative change, it occurs at a poorly conserved position in the protein, it is predicted to be benign by multiple in silico algorithms, and/or has population frequency not consistent with disease.